The following is an entry in ClinVar:

NM_001330288.2(SMARCC2):c.2465G>T (p.Ser822Ile)

Gene: SMARCC2 (SWI/SNF related BAF chromatin remodeling complex subunit C2; minus strand). Cytogenetic location: 12q13.2.
Variant type: single nucleotide variant.
Coding change: c.2465G>T on transcript NM_001330288.2 (MANE Select); coding-DNA position 2465, G replaced by T.
Protein change: p.Ser822Ile; replaces serine 822 with isoleucine.
Molecular consequence: missense variant.
Genome position (GRCh38, 1-based): chr12:56,169,859, C>A on the plus strand (G>T on the coding strand, the complement: SMARCC2 is on the minus strand). VCF-style: chr12-56169859-C-A. GRCh37 (hg19) VCF-style: chr12-56563643-C-A.
Other names: c.2465G>T, p.Ser822Ile (NM_001130420.3, NM_139067.4); c.2372G>T, p.Ser791Ile (NM_003075.5); short protein forms S791I, S822I.
Identifiers: ClinVar variation 3346311 (VCV003346311.1).

ClinVar aggregate classification (germline): Uncertain significance (0 of 4 stars; one submission).

Conditions:
SMARCC2-related disorder. Also called: SMARCC2-related condition.

Submission:

PreventionGenetics, part of Exact Sciences
Classification: Uncertain significance for SMARCC2-related condition. Last evaluated: 2024-06-08. Review status: no assertion criteria provided. Collection method: clinical testing. Allele origin: germline.
Comment: The SMARCC2 c.2372G>T variant is predicted to result in the amino acid substitution p.Ser791Ile. To our knowledge, this variant has not been reported in the literature or in gnomAD, indicating this variant is rare. At this time, the clinical significance of this variant is uncertain due to the absence of conclusive functional and genetic evidence.